The following is an entry in ClinVar:

ClinVar aggregate classification (germline): Likely benign (1 of 4 stars; one submission).

Submission:

CeGaT Center for Human Genetics Tuebingen
Classification: Likely benign. Last evaluated: 2022-10-01. Review status: criteria provided, single submitter. Criteria: CeGaT Center For Human Genetics Tuebingen Variant Classification Criteria Version 2. Collection method: clinical testing. Allele origin: germline. Affected: yes. Observed: 1 variant allele.
Comment: MYH7: PM2:Supporting, BP4, BP7

NM_000257.4(MYH7):c.3693C>T (p.Val1231=)

Gene: MYH7 (myosin heavy chain 7; minus strand). Cytogenetic location: 14q11.2.
Variant type: single nucleotide variant.
Coding change: c.3693C>T on transcript NM_000257.4 (MANE Select); coding-DNA position 3693, C replaced by T.
Protein change: p.Val1231=; no amino-acid change (valine 1231 retained).
Molecular consequence: synonymous variant.
Genome position (GRCh38, 1-based): chr14:23,419,878, G>A on the plus strand (C>T on the coding strand, the complement: MYH7 is on the minus strand). VCF-style: chr14-23419878-G-A. GRCh37 (hg19) VCF-style: chr14-23889087-G-A.
Other names: c.3693C>T, p.Val1231= (NM_001407004.1).
Identifiers: ClinVar variation 1879270 (VCV001879270.29), dbSNP rs2502263657, ClinGen allele CA485766640.